The following is an entry in ClinVar:

ClinVar aggregate classification (germline): Uncertain significance. Review status: criteria provided, multiple submitters, no conflicts (2 of 4 stars). 4 submissions from 4 submitters: Uncertain significance (4). Last evaluated 2025-08-04.

Conditions:
Inborn genetic diseases. Identifiers: MedGen C0950123, MeSH D030342.

Allele frequency attached by ClinVar (database versions not stated): ExAC 0.00003; TOPMed 0.00004; gnomAD 0.00006; ESP Exome Variant Server 0.00008; 1000 Genomes Project 30x 0.00016; 1000 Genomes Project 0.00020.
gnomAD v4.1: 46 of 1,614,132 alleles (0.0028%); highest among the groups gnomAD compares: African/African-American, 0.008%; no homozygotes.

Submissions (4):

Labcorp Genetics (formerly Invitae), Labcorp
Classification: Uncertain significance. Last evaluated: 2025-08-04. Review status: criteria provided, single submitter. Criteria: Invitae Variant Classification Sherloc (09022015). Collection method: clinical testing. Allele origin: germline.
Comment: This sequence change replaces threonine, which is neutral and polar, with methionine, which is neutral and non-polar, at codon 3204 of the HSPG2 protein (p.Thr3204Met). This variant is present in population databases (rs138463714, gnomAD 0.005%). This variant has not been reported in the literature in individuals affected with HSPG2-related conditions. ClinVar contains an entry for this variant (Variation ID: 1988846). An algorithm developed to predict the effect of missense changes on protein structure and function outputs the following: PolyPhen-2: "Benign". The methionine amino acid residue is found in multiple mammalian species, which suggests that this missense change does not adversely affect protein function. In summary, the available evidence is currently insufficient to determine the role of this variant in disease. Therefore, it has been classified as a Variant of Uncertain Significance.

GeneDx
Classification: Uncertain significance. Last evaluated: 2024-10-07. Review status: criteria provided, single submitter. Criteria: GeneDx Variant Classification Process June 2021. Collection method: clinical testing. Allele origin: germline. Affected: yes.
Comment: In silico analysis indicates that this missense variant does not alter protein structure/function; Has not been previously published as pathogenic or benign to our knowledge

Ambry Genetics
Classification: Uncertain significance for Inborn genetic diseases. Last evaluated: 2024-06-02. Review status: criteria provided, single submitter. Criteria: Ambry Variant Classification Scheme 2023. Collection method: clinical testing. Allele origin: germline.

Revvity Omics, Revvity
Classification: Uncertain significance. Last evaluated: 2019-03-06. Review status: criteria provided, single submitter. Criteria: ACMG Guidelines, 2015. Collection method: clinical testing. Allele origin: germline.

NM_005529.7(HSPG2):c.9611C>T (p.Thr3204Met)

Gene: HSPG2 (heparan sulfate proteoglycan 2; minus strand). Cytogenetic location: 1p36.12.
Variant type: single nucleotide variant.
Coding change: c.9611C>T on transcript NM_005529.7 (MANE Select); coding-DNA position 9611, C replaced by T.
Protein change: p.Thr3204Met; replaces threonine 3204 with methionine.
Molecular consequence: missense variant.
Genome position (GRCh38, 1-based): chr1:21,839,920, G>A on the plus strand (C>T on the coding strand, the complement: HSPG2 is on the minus strand). VCF-style: chr1-21839920-G-A. GRCh37 (hg19) VCF-style: chr1-22166413-G-A.
Other names: c.9614C>T, p.Thr3205Met (NM_001291860.2); c.9611C>T (NM_005529.5); short protein forms T3205M, T3204M.
Identifiers: ClinVar variation 1988846 (VCV001988846.9), dbSNP rs138463714, ClinGen allele CA670393.
Genomic context (GRCh38, chr1:21,839,920, plus strand): 5'-TCCACAGTCAGCTCAGCTTCTTCAGCTTGGACCTGAGGGGCCCCTGGGGCCATGGCGCCC[G>A]TGTCCACGATCACCTCCACCTGCTTCTGTGCTGTGCCTAGTGCATTCTGAGCAAGGCACA-3'
Protein context (NP_005520.4, residues 3194-3214): AQKQVEVIVD[Thr3204Met]GAMAPGAPQV